The following is an entry in ClinVar:

NM_006218.4(PIK3CA):c.1076G>A (p.Gly359Asp)

Gene: PIK3CA (phosphatidylinositol-4,5-bisphosphate 3-kinase catalytic subunit alpha; plus strand). Cytogenetic location: 3q26.32.
Variant type: single nucleotide variant.
Coding change: c.1076G>A on transcript NM_006218.4 (MANE Select); coding-DNA position 1076, G replaced by A.
Protein change: p.Gly359Asp; replaces glycine 359 with aspartic acid.
Molecular consequence: missense variant.
Genome position (GRCh38, 1-based): chr3:179,204,519, G>A. VCF-style: chr3-179204519-G-A. GRCh37 (hg19) VCF-style: chr3-178922307-G-A.
Other names: short protein forms G359D.
Identifiers: ClinVar variation 3656374 (VCV003656374.2).
Genomic context (GRCh38, chr3:179,204,519, plus strand): 5'-ATGTTGAGTGTATACATTAGTATATACCTACTTTTTTCTTTTAGATCTATGTTCGAACAG[G>A]TATCTACCATGGAGGAGAACCCTTATGTGACAATGTGAACACTCAAAGAGTACCTTGTTC-3'
Protein context (NP_006209.2, residues 349-369): RDIDKIYVRT[Gly359Asp]IYHGGEPLCD

ClinVar aggregate classification (germline): Uncertain significance (1 of 4 stars; one submission).

Conditions:
Cowden syndrome (CS). Also called: Cowden's disease; Cowden's syndrome; Cowden disease. Identifiers: Orphanet 201, MedGen C0018553, MONDO:0016063. Disease mechanism: gain of function.

Submission:

Labcorp Genetics (formerly Invitae), Labcorp
Classification: Uncertain significance for Cowden syndrome. Last evaluated: 2024-06-12. Review status: criteria provided, single submitter. Criteria: Invitae Variant Classification Sherloc (09022015). Collection method: clinical testing. Allele origin: germline.
Comment: This sequence change replaces glycine, which is neutral and non-polar, with aspartic acid, which is acidic and polar, at codon 359 of the PIK3CA protein (p.Gly359Asp). This variant is not present in population databases (gnomAD no frequency). This variant has not been reported in the literature in individuals affected with PIK3CA-related conditions. Advanced modeling of protein sequence and biophysical properties (such as structural, functional, and spatial information, amino acid conservation, physicochemical variation, residue mobility, and thermodynamic stability) has been performed at Invitae for this missense variant, however the output from this modeling did not meet the statistical confidence thresholds required to predict the impact of this variant on PIK3CA protein function. In summary, the available evidence is currently insufficient to determine the role of this variant in disease. Therefore, it has been classified as a Variant of Uncertain Significance.